The following is an entry in ClinVar:

ClinVar aggregate classification (germline): Uncertain significance (1 of 4 stars; one submission).

Allele frequency attached by ClinVar (database versions not stated): gnomAD 0.00002.
gnomAD v4.1: 3 of 1,612,818 alleles (0.00019%); highest among the groups gnomAD compares: African/African-American, 0.004%; no homozygotes.

Submission:

Labcorp Genetics (formerly Invitae), Labcorp
Classification: Uncertain significance. Last evaluated: 2024-10-25. Review status: criteria provided, single submitter. Criteria: Invitae Variant Classification Sherloc (09022015). Collection method: clinical testing. Allele origin: germline.
Comment: This sequence change replaces glutamic acid, which is acidic and polar, with aspartic acid, which is acidic and polar, at codon 1045 of the COL18A1 protein (p.Glu1045Asp). This variant is not present in population databases (gnomAD no frequency). This variant has not been reported in the literature in individuals affected with COL18A1-related conditions. ClinVar contains an entry for this variant (Variation ID: 1467027). Experimental studies and prediction algorithms are not available or were not evaluated, and the functional significance of this variant is currently unknown. In summary, the available evidence is currently insufficient to determine the role of this variant in disease. Therefore, it has been classified as a Variant of Uncertain Significance.

NM_001379500.1(COL18A1):c.3144G>T (p.Glu1048Asp)

Genes: COL18A1 (collagen type XVIII alpha 1 chain; plus strand), SLC19A1 (solute carrier family 19 member 1; minus strand). Cytogenetic location: 21q22.3.
Variant type: single nucleotide variant.
Coding change: c.3144G>T on transcript NM_001379500.1 (MANE Select); coding-DNA position 3144, G replaced by T.
Protein change: p.Glu1048Asp; replaces glutamic acid 1048 with aspartic acid.
Molecular consequence: missense variant.
Genome position (GRCh38, 1-based): chr21:45,505,894, G>T. VCF-style: chr21-45505894-G-T. GRCh37 (hg19) VCF-style: chr21-46925808-G-T.
Other names: c.3675G>T, p.Glu1225Asp (NM_030582.4); c.4380G>T, p.Glu1460Asp (NM_130444.3); short protein forms E1225D, E1048D, E1460D.
Identifiers: ClinVar variation 1467027 (VCV001467027.4), dbSNP rs747833734, ClinGen allele CA410499936.